The following is an entry in ClinVar:

ClinVar aggregate classification (germline): Pathogenic (1 of 4 stars; one submission).

Submission:

Labcorp Genetics (formerly Invitae), Labcorp
Classification: Pathogenic. Last evaluated: 2023-11-10. Review status: criteria provided, single submitter. Criteria: Invitae Variant Classification Sherloc (09022015). Collection method: clinical testing. Allele origin: germline.
Comment: This sequence change creates a premature translational stop signal (p.Glu282*) in the NR2E3 gene. It is expected to result in an absent or disrupted protein product. Loss-of-function variants in NR2E3 are known to be pathogenic (PMID: 15459973, 27522502). This variant is not present in population databases (gnomAD no frequency). This variant has not been reported in the literature in individuals affected with NR2E3-related conditions. For these reasons, this variant has been classified as Pathogenic.

Literature cited by the submitters: PubMed 15459973; PubMed 27522502.

NM_014249.4(NR2E3):c.844G>T (p.Glu282Ter)

Gene: NR2E3 (nuclear receptor subfamily 2 group E member 3; plus strand). Cytogenetic location: 15q23.
Variant type: single nucleotide variant.
Coding change: c.844G>T on transcript NM_014249.4 (MANE Select); coding-DNA position 844, G replaced by T.
Protein change: p.Glu282Ter; replaces glutamic acid 282 with a stop codon.
Molecular consequence: nonsense.
Genome position (GRCh38, 1-based): chr15:71,813,485, G>T. VCF-style: chr15-71813485-G-T. GRCh37 (hg19) VCF-style: chr15-72105825-G-T.
Other names: c.844G>T, p.Glu282Ter (NM_016346.4); short protein forms E282*.
Identifiers: ClinVar variation 2694697 (VCV002694697.3), dbSNP rs370215891, ClinGen allele CA393036789.
Genomic context (GRCh38, chr15:71,813,485, plus strand): 5'-CTCCTCGGGGCCATCCAGTGGTCTCTGCCTCTGGACAGCTGTCCTCTGCTGGCACCGCCC[G>T]AGGCCTCTGCTGCCGGTGGTGCCCAGGGCCGGCTCACGCTGGCCAGCATGGAGACGCGTG-3'